The following is an entry in ClinVar:

ClinVar aggregate classification (germline): Uncertain significance (1 of 4 stars; one submission).

Allele frequency attached by ClinVar (database versions not stated): gnomAD exomes below 0.00001.
gnomAD v4.1: 1 of 1,551,440 alleles (0.000064%); highest among the groups gnomAD compares: Non-Finnish European, 0.000087%; no homozygotes.

Submission:

CeGaT Center for Human Genetics Tuebingen
Classification: Uncertain significance. Last evaluated: 2023-11-01. Review status: criteria provided, single submitter. Criteria: CeGaT Center For Human Genetics Tuebingen Variant Classification Criteria Version 2. Collection method: clinical testing. Allele origin: germline. Affected: yes. Observed: 1 variant allele.
Comment: COL3A1: PM2

NM_000090.4(COL3A1):c.2524G>A (p.Ala842Thr)

Gene: COL3A1 (collagen type III alpha 1 chain; plus strand). Cytogenetic location: 2q32.2.
Variant type: single nucleotide variant.
Coding change: c.2524G>A on transcript NM_000090.4 (MANE Select); coding-DNA position 2524, G replaced by A.
Protein change: p.Ala842Thr; replaces alanine 842 with threonine.
Molecular consequence: missense variant.
Genome position (GRCh38, 1-based): chr2:189,003,033, G>A. VCF-style: chr2-189003033-G-A. GRCh37 (hg19) VCF-style: chr2-189867759-G-A.
Other names: short protein forms A842T.
Identifiers: ClinVar variation 2672854 (VCV002672854.23), dbSNP rs2469150773, ClinGen allele CA349842852.
Genomic context (GRCh38, chr2:189,003,033, plus strand): 5'-GGTGGTAAAGGAGAAAGAGGGGCTCCGGGTGAGAAAGGTGAAGGAGGCCCTCCTGGAGTT[G>A]CAGGACCCCCTGGAGGTTCTGGACCTGCTGTAAGTTCCTTCCTCTTTCTCTGTCTATCTA-3'
Protein context (NP_000081.2, residues 832-852): EKGEGGPPGV[Ala842Thr]GPPGGSGPAG